The following is an entry in ClinVar:

ClinVar aggregate classification (germline): Uncertain significance. Review status: criteria provided, multiple submitters, no conflicts (2 of 4 stars). 2 submissions from 2 submitters: Uncertain significance (2). Last evaluated 2024-12-02.

gnomAD v4.1: 2 of 1,204,693 alleles (0.00017%); highest among the groups gnomAD compares: Non-Finnish European, 0.00022%; no homozygotes.

Submissions (2):

Dasa
Classification: Uncertain significance. Last evaluated: 2024-12-02. Review status: criteria provided, single submitter. Criteria: DASA Assertion Criteria. Collection method: clinical testing. Allele origin: germline.
Comment: NM_021120.4(DLG3):c.1879G>T (p.Ala627Ser) is a missense variant that results in the substitution of alanine with serine. This variant is rare in population databases. Computational prediction algorithms are consistent with a benign effect. The currently available literature and clinical evidence are not sufficient to establish a definitive association between this variant and the reported condition. Therefore, this variant is classified as a variant of uncertain significance.

Mendelics
Classification: Uncertain significance. Last evaluated: 2022-05-04. Review status: criteria provided, single submitter. Criteria: Mendelics Assertion Criteria 2019. Collection method: clinical testing. Allele origin: germline.

NM_021120.4(DLG3):c.1879G>T (p.Ala627Ser)

Gene: DLG3 (discs large MAGUK scaffold protein 3; plus strand). Cytogenetic location: Xq13.1.
Variant type: single nucleotide variant.
Coding change: c.1879G>T on transcript NM_021120.4 (MANE Select); coding-DNA position 1879, G replaced by T.
Protein change: p.Ala627Ser; replaces alanine 627 with serine.
Molecular consequence: missense variant.
Genome position (GRCh38, 1-based): chrX:70,499,184, G>T. VCF-style: chrX-70499184-G-T. GRCh37 (hg19) VCF-style: chrX-69719034-G-T.
Other names: c.526G>T, p.Ala176Ser (NM_001166278.2); c.964G>T, p.Ala322Ser (NM_020730.3); short protein forms A176S, A322S, A627S.
Identifiers: ClinVar variation 1686630 (VCV001686630.3), dbSNP rs2147888795, ClinGen allele CA413460431.